The following is an entry in ClinVar:

NM_080732.4(EGLN2):c.169G>T (p.Ala57Ser)

Genes: EGLN2 (egl-9 family hypoxia inducible factor 2; plus strand), RAB4B-EGLN2 (RAB4B-EGLN2 readthrough (NMD candidate); plus strand). Cytogenetic location: 19q13.2.
Variant type: single nucleotide variant.
Coding change: c.169G>T on transcript NM_080732.4 (MANE Select); coding-DNA position 169, G replaced by T.
Protein change: p.Ala57Ser; replaces alanine 57 with serine.
Molecular consequence: missense variant. On other transcripts: non-coding transcript variant (1).
Genome position (GRCh38, 1-based): chr19:40,800,741, G>T. VCF-style: chr19-40800741-G-T. GRCh37 (hg19) VCF-style: chr19-41306646-G-T.
Other names: c.169G>T, p.Ala57Ser (NM_053046.4); short protein forms A57S.
Identifiers: ClinVar variation 1778318 (VCV001778318.3), dbSNP rs1201588257, ClinGen allele CA405954704.
Genomic context (GRCh38, chr19:40,800,741, plus strand): 5'-GAGAGTTACCTGCCCTGTCCCCTGCTCCCCTCCTACCACTGTCCAGGAGTGCCTAGTGAG[G>T]CCTCGGCAGGGAGTGGGACCCCCAGAGCCACAGCCACCTCTACCACTGCCAGCCCTCTTC-3'
Protein context (NP_542770.2, residues 47-67): SYHCPGVPSE[Ala57Ser]SAGSGTPRAT

ClinVar aggregate classification (germline): Uncertain significance (1 of 4 stars; one submission).

Allele frequency attached by ClinVar (database versions not stated): TOPMed below 0.00001; gnomAD 0.00001.

Submission:

Ambry Genetics
Classification: Uncertain significance. Last evaluated: 2024-05-26. Review status: criteria provided, single submitter. Criteria: Ambry Variant Classification Scheme 2023. Collection method: clinical testing. Allele origin: germline.
Comment: The p.A57S variant (also known as c.169G>T), located in coding exon 1 of the EGLN2 gene, results from a G to T substitution at nucleotide position 169. The alanine at codon 57 is replaced by serine, an amino acid with similar properties. This amino acid position is conserved. In addition, this alteration is predicted to be tolerated by in silico analysis. Since supporting evidence is limited at this time, the clinical significance of this alteration remains unclear.